The following is an entry in ClinVar:

ClinVar aggregate classification (germline): Conflicting classifications of pathogenicity. Review status: criteria provided, conflicting classifications (1 of 4 stars). 5 submissions from 5 submitters: Uncertain significance (3); Benign (1). 1 of the submissions does not count toward it. Last evaluated 2024-03-02.

Conditions:
KMT2D-related disorder. Also called: KMT2D-Related Disorders.
Kabuki syndrome. Also called: NIIKAWA-KUROKI SYNDROME; Kabuki make-up syndrome. Identifiers: Orphanet 2322, MedGen C0796004, MONDO:0016512.

Allele frequency attached by ClinVar (database versions not stated): gnomAD exomes 0.00001; gnomAD 0.00002; TOPMed 0.00003.
gnomAD v4.1: 9 of 1,604,554 alleles (0.00056%); highest among the groups gnomAD compares: African/African-American, 0.004%; no homozygotes.

Submissions (5):

Labcorp Genetics (formerly Invitae), Labcorp
Classification: Benign for Kabuki syndrome. Last evaluated: 2024-03-02. Review status: criteria provided, single submitter. Criteria: Invitae Variant Classification Sherloc (09022015). Collection method: clinical testing. Allele origin: germline.

PreventionGenetics, part of Exact Sciences
Classification: Uncertain significance for KMT2D-related condition. Last evaluated: 2022-12-21. Review status: criteria provided, single submitter. Criteria: ACMG Guidelines, 2015. Collection method: clinical testing. Allele origin: germline.
Comment: The KMT2D c.7229G>A variant is predicted to result in the amino acid substitution p.Arg2410Gln. To our knowledge, this variant has not been reported in the literature associated with KMT2D-related phenotypes. This variant is reported in 0.0084% of alleles in individuals of African descent in gnomAD. At this time, the clinical significance of this variant is uncertain due to the absence of conclusive functional and genetic evidence.

Eurofins Ntd Llc (ga)
Classification: Uncertain significance. Last evaluated: 2017-11-10. Review status: criteria provided, single submitter. Criteria: EGL Classification Definitions 2015. Collection method: clinical testing. Allele origin: germline. Observed: 1 variant allele, 1 heterozygote.

Center for Pediatric Genomic Medicine, Children's Mercy Hospital and Clinics
Classification: Uncertain significance. Last evaluated: 2016-11-02. Review status: criteria provided, single submitter. Criteria: ACMG Guidelines, 2015. Collection method: clinical testing. Allele origin: germline.
ClinVar note: Converted during submission from Uncertain Significance to Uncertain significance.

ITMI
No classification provided. Condition: AllHighlyPenetrant. Last evaluated: 2013-09-19. Review status: no classification provided. Collection method: reference population. Allele origin: germline. Not counted in ClinVar's aggregate classification.
Comment: Please see associated publication for description of ethnicities

Literature cited by the submitters: PubMed 24728327 (cited by ITMI).

NM_003482.4(KMT2D):c.7229G>A (p.Arg2410Gln)

Gene: KMT2D (lysine methyltransferase 2D; minus strand). Cytogenetic location: 12q13.12.
Variant type: single nucleotide variant.
Coding change: c.7229G>A on transcript NM_003482.4 (MANE Select); coding-DNA position 7229, G replaced by A.
Protein change: p.Arg2410Gln; replaces arginine 2410 with glutamine.
Molecular consequence: missense variant.
Genome position (GRCh38, 1-based): chr12:49,040,541, C>T on the plus strand (G>A on the coding strand, the complement: KMT2D is on the minus strand). VCF-style: chr12-49040541-C-T. GRCh37 (hg19) VCF-style: chr12-49434324-C-T.
Other names: c.7229G>A (NM_003482.3); short protein forms R2410Q.
Identifiers: ClinVar variation 134696 (VCV000134696.12), dbSNP rs587778466, ClinGen allele CA160559.
Genomic context (GRCh38, chr12:49,040,541, plus strand): 5'-AGAGGCCGGGGTGTCAGTGGAGACTGGGAGCTGGACTGGGACTGAGGACTGGCAGGCACT[C>T]GGGAGAAAGGGTCGGAGGGCAGTGAGCGAGGGGGCAGAGCACAGCAGCTCTCAGGGGGCG-3'
Protein context (NP_003473.3, residues 2400-2420): PRSLPSDPFS[Arg2410Gln]VPASPQSQSS